The following is an entry in ClinVar:

ClinVar aggregate classification (germline): Uncertain significance. Review status: criteria provided, multiple submitters, no conflicts (2 of 4 stars). 2 submissions from 2 submitters: Uncertain significance (2). Last evaluated 2024-04-07.

Submissions (2):

GeneDx
Classification: Uncertain significance. Last evaluated: 2024-04-07. Review status: criteria provided, single submitter. Criteria: GeneDx Variant Classification Process June 2021. Collection method: clinical testing. Allele origin: germline. Affected: yes.
Comment: Not observed at significant frequency in large population cohorts (gnomAD); In silico analysis indicates that this missense variant does not alter protein structure/function; Has not been previously published as pathogenic or benign to our knowledge

Labcorp Genetics (formerly Invitae), Labcorp
Classification: Uncertain significance. Last evaluated: 2022-04-20. Review status: criteria provided, single submitter. Criteria: Invitae Variant Classification Sherloc (09022015). Collection method: clinical testing. Allele origin: germline.
Comment: This variant is not present in population databases (gnomAD no frequency). In summary, the available evidence is currently insufficient to determine the role of this variant in disease. Therefore, it has been classified as a Variant of Uncertain Significance. Advanced modeling of protein sequence and biophysical properties (such as structural, functional, and spatial information, amino acid conservation, physicochemical variation, residue mobility, and thermodynamic stability) performed at Invitae indicates that this missense variant is expected to disrupt ABCC8 protein function. This variant has not been reported in the literature in individuals affected with ABCC8-related conditions. This sequence change replaces leucine, which is neutral and non-polar, with valine, which is neutral and non-polar, at codon 590 of the ABCC8 protein (p.Leu590Val).

NM_000352.6(ABCC8):c.1768C>G (p.Leu590Val)

Gene: ABCC8 (ATP binding cassette subfamily C member 8; minus strand). Cytogenetic location: 11p15.1.
Variant type: single nucleotide variant.
Coding change: c.1768C>G on transcript NM_000352.6 (MANE Select); coding-DNA position 1768, C replaced by G.
Protein change: p.Leu590Val; replaces leucine 590 with valine.
Molecular consequence: missense variant. On other transcripts: non-coding transcript variant (1).
Genome position (GRCh38, 1-based): chr11:17,430,863, G>C on the plus strand (C>G on the coding strand, the complement: ABCC8 is on the minus strand). VCF-style: chr11-17430863-G-C. GRCh37 (hg19) VCF-style: chr11-17452410-G-C.
Other names: c.1768C>G, p.Leu590Val (NM_001287174.3, NM_001351295.2); c.1765C>G, p.Leu589Val (NM_001351296.2, NM_001351297.2); c.1768C>G (NM_000352.3); short protein forms L589V, L590V.
Identifiers: ClinVar variation 2128207 (VCV002128207.5), dbSNP rs2496688518, ClinGen allele CA379816956.